The following is an entry in ClinVar:

NM_007118.4(TRIO):c.8624del (p.Gly2875fs)

Gene: TRIO (trio Rho guanine nucleotide exchange factor; plus strand). Cytogenetic location: 5p15.2.
Variant type: Deletion.
Coding change: c.8624del on transcript NM_007118.4 (MANE Select); coding-DNA position 8624, one base deleted (G; older notation c.8624delG).
Protein change: p.Gly2875fs; shifts the reading frame from glycine 2875.
Molecular consequence: frameshift variant. On other transcripts: non-coding transcript variant (1).
Genome position (GRCh38, 1-based): chr5:14,507,133, G deleted; the last of 3 consecutive G bases (chr5:14,507,131-14,507,133); deleting any one gives the same sequence. VCF-style (leftmost placement, unchanged base first): chr5-14507130-AG-A. GRCh37 (hg19) VCF-style: chr5-14507239-AG-A.
Other names: short protein forms G2875fs.
Identifiers: ClinVar variation 1712770 (VCV001712770.2), dbSNP rs2477724727, ClinGen allele CA2580072215.

ClinVar aggregate classification (germline): Uncertain significance (1 of 4 stars; one submission).

Submission:

GeneDx
Classification: Uncertain significance. Last evaluated: 2022-04-28. Review status: criteria provided, single submitter. Criteria: GeneDx Variant Classification Process June 2021. Collection method: clinical testing. Allele origin: germline. Affected: yes.
Comment: Frameshift variant predicted to result in protein truncation as the last 223 amino acids are replaced with 36 different amino acids, although loss-of-function variants have not been reported downstream of this position in the protein; Not observed at significant frequency in large population cohorts (gnomAD); Has not been previously published as pathogenic or benign to our knowledge